The following is an entry in ClinVar:

NM_001384474.1(LOXHD1):c.3089C>T (p.Thr1030Met)

Gene: LOXHD1 (lipoxygenase homology PLAT domains 1; minus strand). Cytogenetic location: 18q21.1.
Variant type: single nucleotide variant.
Coding change: c.3089C>T on transcript NM_001384474.1 (MANE Select); coding-DNA position 3089, C replaced by T.
Protein change: p.Thr1030Met; replaces threonine 1030 with methionine.
Molecular consequence: missense variant.
Genome position (GRCh38, 1-based): chr18:46,559,575, G>A on the plus strand (C>T on the coding strand, the complement: LOXHD1 is on the minus strand). VCF-style: chr18-46559575-G-A. GRCh37 (hg19) VCF-style: chr18-44139538-G-A.
Other names: c.3089C>T, p.Thr1030Met (NM_144612.7); short protein forms T1030M.
Identifiers: ClinVar variation 2153259 (VCV002153259.2), dbSNP rs1453833384, ClinGen allele CA402369477.

ClinVar aggregate classification (germline): Uncertain significance (1 of 4 stars; one submission).

gnomAD v4.1: 9 of 1,551,698 alleles (0.00058%); highest among the groups gnomAD compares: Admixed American, 0.0078%; no homozygotes.

Submission:

Labcorp Genetics (formerly Invitae), Labcorp
Classification: Uncertain significance. Last evaluated: 2025-02-24. Review status: criteria provided, single submitter. Criteria: Invitae Variant Classification Sherloc (09022015). Collection method: clinical testing. Allele origin: germline.
Comment: This sequence change replaces threonine, which is neutral and polar, with methionine, which is neutral and non-polar, at codon 1030 of the LOXHD1 protein (p.Thr1030Met). This variant is present in population databases (no rsID available, gnomAD 0.009%). This variant has not been reported in the literature in individuals affected with LOXHD1-related conditions. ClinVar contains an entry for this variant (Variation ID: 2153259). An algorithm developed to predict the effect of missense changes on protein structure and function (PolyPhen-2) suggests that this variant is likely to be disruptive. In summary, the available evidence is currently insufficient to determine the role of this variant in disease. Therefore, it has been classified as a Variant of Uncertain Significance.